The following is an entry in ClinVar:

NM_014946.4(SPAST):c.280G>A (p.Gly94Arg)

Gene: SPAST (spastin; plus strand). Cytogenetic location: 2p22.3.
Variant type: single nucleotide variant.
Coding change: c.280G>A on transcript NM_014946.4 (MANE Select); coding-DNA position 280, G replaced by A.
Protein change: p.Gly94Arg; replaces glycine 94 with arginine.
Molecular consequence: missense variant.
Genome position (GRCh38, 1-based): chr2:32,064,111, G>A. VCF-style: chr2-32064111-G-A. GRCh37 (hg19) VCF-style: chr2-32289180-G-A.
Other names: c.280G>A, p.Gly94Arg (NM_001363823.2, NM_001363875.2, NM_001377959.1 and 1 more transcripts); short protein forms G94R.
Identifiers: ClinVar variation 572264 (VCV000572264.8), dbSNP rs750218565, ClinGen allele CA1600535.

ClinVar aggregate classification (germline): Uncertain significance (1 of 4 stars; one submission).

Conditions:
Hereditary spastic paraplegia 4. Also called: Familial spastic paraplegia autosomal dominant 2; Spastic paraplegia 4, autosomal dominant; Spastic Paraplegia 4. Identifiers: Orphanet 100985, MedGen C1866855, MONDO:0008438, OMIM 182601.

Allele frequency attached by ClinVar (database versions not stated): TOPMed 0.00001; ExAC 0.00003.
gnomAD v4.1: 4 of 1,601,158 alleles (0.00025%); highest among the groups gnomAD compares: Non-Finnish European, 0.00034%; no homozygotes.

Submission:

Labcorp Genetics (formerly Invitae), Labcorp
Classification: Uncertain significance for Hereditary spastic paraplegia 4. Last evaluated: 2022-11-15. Review status: criteria provided, single submitter. Criteria: Invitae Variant Classification Sherloc (09022015). Collection method: clinical testing. Allele origin: germline.
Comment: This sequence change replaces glycine, which is neutral and non-polar, with arginine, which is basic and polar, at codon 94 of the SPAST protein (p.Gly94Arg). This variant is present in population databases (rs750218565, gnomAD 0.002%). This variant has not been reported in the literature in individuals affected with SPAST-related conditions. ClinVar contains an entry for this variant (Variation ID: 572264). Advanced modeling of protein sequence and biophysical properties (such as structural, functional, and spatial information, amino acid conservation, physicochemical variation, residue mobility, and thermodynamic stability) performed at Invitae indicates that this missense variant is not expected to disrupt SPAST protein function. In summary, the available evidence is currently insufficient to determine the role of this variant in disease. Therefore, it has been classified as a Variant of Uncertain Significance.